The following is an entry in ClinVar:

NM_001792.5(CDH2):c.1052C>A (p.Ala351Asp)

Gene: CDH2 (cadherin 2; minus strand). Cytogenetic location: 18q12.1.
Variant type: single nucleotide variant.
Coding change: c.1052C>A on transcript NM_001792.5 (MANE Select); coding-DNA position 1052, C replaced by A.
Protein change: p.Ala351Asp; replaces alanine 351 with aspartic acid.
Molecular consequence: missense variant.
Genome position (GRCh38, 1-based): chr18:27,993,606, G>T on the plus strand (C>A on the coding strand, the complement: CDH2 is on the minus strand). VCF-style: chr18-27993606-G-T. GRCh37 (hg19) VCF-style: chr18-25573570-G-T.
Other names: c.959C>A, p.Ala320Asp (NM_001308176.2); short protein forms A320D, A351D.
Identifiers: ClinVar variation 4842804 (VCV004842804.1).

ClinVar aggregate classification (germline): Uncertain significance (1 of 4 stars; one submission).

Conditions:
Inborn genetic diseases. Identifiers: MedGen C0950123, MeSH D030342.

Submission:

Ambry Genetics
Classification: Uncertain significance for Inborn genetic diseases. Last evaluated: 2025-12-26. Review status: criteria provided, single submitter. Criteria: Ambry Variant Classification Scheme 2023. Collection method: clinical testing. Allele origin: germline.
Comment: The p.A351D variant (also known as c.1052C>A), located in coding exon 8 of the CDH2 gene, results from a C to A substitution at nucleotide position 1052. The alanine at codon 351 is replaced by aspartic acid, an amino acid with dissimilar properties. This amino acid position is conserved. In addition, this alteration is predicted to be deleterious by in silico analysis. Based on the available evidence, the clinical significance of this variant remains unclear.